The following is an entry in ClinVar:

ClinVar aggregate classification (germline): Uncertain significance (1 of 4 stars; one submission).

gnomAD v4.1: 3 of 1,613,818 alleles (0.00019%); highest among the groups gnomAD compares: African/African-American, 0.0027%; no homozygotes.

Submission:

Ambry Genetics
Classification: Uncertain significance. Last evaluated: 2024-07-04. Review status: criteria provided, single submitter. Criteria: Ambry Variant Classification Scheme 2023. Collection method: clinical testing. Allele origin: germline.
Comment: The p.Q16R variant (also known as c.47A>G), located in coding exon 1 of the PKP4 gene, results from an A to G substitution at nucleotide position 47. The glutamine at codon 16 is replaced by arginine, an amino acid with highly similar properties. This amino acid position is conserved. In addition, this alteration is predicted to be tolerated by in silico analysis. Based on the available evidence, the clinical significance of this variant remains unclear.

NM_003628.6(PKP4):c.47A>G (p.Gln16Arg)

Gene: PKP4 (plakophilin 4; plus strand). Cytogenetic location: 2q24.1.
Variant type: single nucleotide variant.
Coding change: c.47A>G on transcript NM_003628.6 (MANE Select); coding-DNA position 47, A replaced by G.
Protein change: p.Gln16Arg; replaces glutamine 16 with arginine.
Molecular consequence: missense variant. On other transcripts: 5 prime UTR variant (1).
Genome position (GRCh38, 1-based): chr2:158,533,231, A>G. VCF-style: chr2-158533231-A-G. GRCh37 (hg19) VCF-style: chr2-159389743-A-G.
Other names: c.47A>G, p.Gln16Arg (NM_001005476.4, NM_001304969.3, NM_001304971.2 and 9 more transcripts); c.-903A>G (NM_001304970.3); short protein forms Q16R.
Identifiers: ClinVar variation 3419565 (VCV003419565.1).